The following is an entry in ClinVar:

ClinVar aggregate classification (germline): Uncertain significance (1 of 4 stars; one submission).

Conditions:
Joubert syndrome. Also called: Familial aplasia of the vermis; JOUBERT-BOLTSHAUSER SYNDROME; CEREBELLOPARENCHYMAL DISORDER IV. Identifiers: Orphanet 475, MedGen C5979921, MONDO:0018772.

Submission:

Labcorp Genetics (formerly Invitae), Labcorp
Classification: Uncertain significance for Joubert syndrome. Last evaluated: 2025-08-12. Review status: criteria provided, single submitter. Criteria: Invitae Variant Classification Sherloc (09022015). Collection method: clinical testing. Allele origin: germline.
Comment: This sequence change replaces valine, which is neutral and non-polar, with leucine, which is neutral and non-polar, at codon 784 of the AHI1 protein (p.Val784Leu). The frequency data for this variant in the population databases is considered unreliable, as metrics indicate poor data quality at this position in the gnomAD database. This variant has not been reported in the literature in individuals affected with AHI1-related conditions. Invitae Evidence Modeling of protein sequence and biophysical properties (such as structural, functional, and spatial information, amino acid conservation, physicochemical variation, residue mobility, and thermodynamic stability) indicates that this missense variant is not expected to disrupt AHI1 protein function with a negative predictive value of 95%. In summary, the available evidence is currently insufficient to determine the role of this variant in disease. Therefore, it has been classified as a Variant of Uncertain Significance.

NM_001134831.2(AHI1):c.2350G>T (p.Val784Leu)

Gene: AHI1 (Abelson helper integration site 1; minus strand). Cytogenetic location: 6q23.3.
Variant type: single nucleotide variant.
Coding change: c.2350G>T on transcript NM_001134831.2 (MANE Select); coding-DNA position 2350, G replaced by T.
Protein change: p.Val784Leu; replaces valine 784 with leucine.
Molecular consequence: missense variant.
Genome position (GRCh38, 1-based): chr6:135,431,231, C>A on the plus strand (G>T on the coding strand, the complement: AHI1 is on the minus strand). VCF-style: chr6-135431231-C-A. GRCh37 (hg19) VCF-style: chr6-135752369-C-A.
Other names: c.2350G>T, p.Val784Leu (NM_001134830.2, NM_001134832.2, NM_001350503.2 and 2 more transcripts); short protein forms V784L.
Identifiers: ClinVar variation 4799525 (VCV004799525.1).
Genomic context (GRCh38, chr6:135,431,231, plus strand): 5'-TTAATTAAATCCCAAAATATAAAATATGATTTTATACCTTATTTATAGTCCAGTGGTGCA[C>A]TGAATGTTCCAAATCATTAATCTTGACATAGGTATTCCAAACAACAATCACCCCTGTACA-3'
Protein context (NP_001128303.1, residues 774-794): YVKINDLEHS[Val784Leu]HHWTINKEIK